The following is an entry in ClinVar:

ClinVar aggregate classification (germline): Pathogenic/Likely pathogenic. Review status: criteria provided, multiple submitters, no conflicts (2 of 4 stars). 2 submissions from 2 submitters: Pathogenic (1); Likely pathogenic (1). Last evaluated 2023-05-14.

Conditions:
MYO7A-related disorder. Also called: MYO7A-related disorders.

Submissions (2):

Labcorp Genetics (formerly Invitae), Labcorp
Classification: Pathogenic. Last evaluated: 2023-05-14. Review status: criteria provided, single submitter. Criteria: Invitae Variant Classification Sherloc (09022015). Collection method: clinical testing. Allele origin: germline.
Comment: ClinVar contains an entry for this variant (Variation ID: 834808). For these reasons, this variant has been classified as Pathogenic. This premature translational stop signal has been observed in individual(s) with Usher syndrome (PMID: 27460420). This sequence change creates a premature translational stop signal (p.Gln706*) in the MYO7A gene. It is expected to result in an absent or disrupted protein product. Loss-of-function variants in MYO7A are known to be pathogenic (PMID: 8900236, 25404053). This variant is not present in population databases (gnomAD no frequency).

Blueprint Genetics
Classification: Likely pathogenic for MYO7A-related disorders. Last evaluated: 2022-01-03. Review status: criteria provided, single submitter. Criteria: ACMG Guidelines, 2015. Collection method: clinical testing. Allele origin: germline. Affected: yes. Observed: 1 variant allele.

Literature cited by the submitters: PubMed 27460420 (cited by Labcorp Genetics (formerly Invitae), Labcorp); PubMed 8900236 (cited by Labcorp Genetics (formerly Invitae), Labcorp); PubMed 25404053 (cited by Labcorp Genetics (formerly Invitae), Labcorp).

NM_000260.4(MYO7A):c.2116C>T (p.Gln706Ter)

Gene: MYO7A (myosin VIIA; plus strand). Cytogenetic location: 11q13.5.
Variant type: single nucleotide variant.
Coding change: c.2116C>T on transcript NM_000260.4 (MANE Select); coding-DNA position 2116, C replaced by T.
Protein change: p.Gln706Ter; replaces glutamine 706 with a stop codon.
Molecular consequence: nonsense.
Genome position (GRCh38, 1-based): chr11:77,175,393, C>T. VCF-style: chr11-77175393-C-T. GRCh37 (hg19) VCF-style: chr11-76886439-C-T.
Other names: c.2116C>T, p.Gln706Ter (NM_001127180.2); c.2083C>T, p.Gln695Ter (NM_001369365.1); short protein forms Q695*, Q706*.
Identifiers: ClinVar variation 834808 (VCV000834808.10), dbSNP rs1954549039, ClinGen allele CA381939639.